The following is an entry in ClinVar:

NM_005996.4(TBX3):c.1726C>T (p.Pro576Ser)

Gene: TBX3 (T-box transcription factor 3; minus strand). Cytogenetic location: 12q24.21.
Variant type: single nucleotide variant.
Coding change: c.1726C>T on transcript NM_005996.4 (MANE Select); coding-DNA position 1726, C replaced by T.
Protein change: p.Pro576Ser; replaces proline 576 with serine.
Molecular consequence: missense variant.
Genome position (GRCh38, 1-based): chr12:114,672,287, G>A on the plus strand (C>T on the coding strand, the complement: TBX3 is on the minus strand). VCF-style: chr12-114672287-G-A. GRCh37 (hg19) VCF-style: chr12-115110092-G-A.
Other names: c.1726C>T (NM_005996.3); c.1786C>T, p.Pro596Ser (NM_016569.4); short protein forms P596S, P576S.
Identifiers: ClinVar variation 2804226 (VCV002804226.4), dbSNP rs1437311804, ClinGen allele CA386868336.

ClinVar aggregate classification (germline): Uncertain significance. Review status: criteria provided, multiple submitters, no conflicts (2 of 4 stars). 2 submissions from 2 submitters: Uncertain significance (2). Last evaluated 2024-03-19.

Conditions:
Ulnar-mammary syndrome (UMS). Also called: Ulnar-mammary syndrome of Pallister; SCHINZEL SYNDROME; PALLISTER ULNAR-MAMMARY SYNDROME. Identifiers: Orphanet 3138, MedGen C1866994, MONDO:0008411, OMIM 181450.
Inborn genetic diseases. Identifiers: MedGen C0950123, MeSH D030342.

Submissions (2):

Labcorp Genetics (formerly Invitae), Labcorp
Classification: Uncertain significance for Ulnar-mammary syndrome. Last evaluated: 2024-03-19. Review status: criteria provided, single submitter. Criteria: Invitae Variant Classification Sherloc (09022015). Collection method: clinical testing. Allele origin: germline.
Comment: This sequence change replaces proline, which is neutral and non-polar, with serine, which is neutral and polar, at codon 576 of the TBX3 protein (p.Pro576Ser). The frequency data for this variant in the population databases is considered unreliable, as metrics indicate poor data quality at this position in the gnomAD database. This variant has not been reported in the literature in individuals affected with TBX3-related conditions. An algorithm developed to predict the effect of missense changes on protein structure and function (PolyPhen-2) suggests that this variant is likely to be tolerated. In summary, the available evidence is currently insufficient to determine the role of this variant in disease. Therefore, it has been classified as a Variant of Uncertain Significance.

Ambry Genetics
Classification: Uncertain significance for Inborn genetic diseases. Last evaluated: 2023-11-02. Review status: criteria provided, single submitter. Criteria: Ambry Variant Classification Scheme 2023. Collection method: clinical testing. Allele origin: germline.